The following is an entry in ClinVar:

NM_001033046.4(CYBC1):c.352C>T (p.Arg118Trp)

Gene: CYBC1 (cytochrome b-245 chaperone 1; minus strand). Cytogenetic location: 17q25.3.
Variant type: single nucleotide variant.
Coding change: c.352C>T on transcript NM_001033046.4 (MANE Select); coding-DNA position 352, C replaced by T.
Protein change: p.Arg118Trp; replaces arginine 118 with tryptophan.
Molecular consequence: missense variant. On other transcripts: non-coding transcript variant (4).
Genome position (GRCh38, 1-based): chr17:82,444,538, G>A on the plus strand (C>T on the coding strand, the complement: CYBC1 is on the minus strand). VCF-style: chr17-82444538-G-A. GRCh37 (hg19) VCF-style: chr17-80402414-G-A.
Other names: c.352C>T, p.Arg118Trp (NM_001100407.3, NM_001193653.2, NM_001193654.2 and 2 more transcripts); c.310C>T, p.Arg104Trp (NM_001100408.3); short protein forms R104W, R118W.
Identifiers: ClinVar variation 1682708 (VCV001682708.5), dbSNP rs765054929, ClinGen allele CA8858236.

ClinVar aggregate classification (germline): Uncertain significance (1 of 4 stars; one submission).

Allele frequency attached by ClinVar (database versions not stated): gnomAD 0.00001; gnomAD exomes 0.00002 and 0.00009; TOPMed 0.00003; ExAC 0.00007.

Submission:

Labcorp Genetics (formerly Invitae), Labcorp
Classification: Uncertain significance. Last evaluated: 2022-06-28. Review status: criteria provided, single submitter. Criteria: Invitae Variant Classification Sherloc (09022015). Collection method: clinical testing. Allele origin: germline.
Comment: This sequence change replaces arginine, which is basic and polar, with tryptophan, which is neutral and slightly polar, at codon 118 of the C17orf62 protein (p.Arg118Trp). This variant is present in population databases (rs765054929, gnomAD 0.1%). This variant has not been reported in the literature in individuals affected with C17orf62-related conditions. Algorithms developed to predict the effect of missense changes on protein structure and function (SIFT, PolyPhen-2, Align-GVGD) all suggest that this variant is likely to be disruptive. In summary, the available evidence is currently insufficient to determine the role of this variant in disease. Therefore, it has been classified as a Variant of Uncertain Significance.